The following is an entry in ClinVar:

ClinVar aggregate classification (germline): Uncertain significance (1 of 4 stars; one submission).

Conditions:
Mendelian susceptibility to mycobacterial diseases due to partial STAT1 deficiency. Also called: IMMUNODEFICIENCY 31A, MYCOBACTERIOSIS, AUTOSOMAL DOMINANT; STAT1 DEFICIENCY, AUTOSOMAL DOMINANT; Immunodeficiency 31a. Identifiers: Orphanet 319595, MedGen C4013950, MONDO:0013956, OMIM 614892.
Immunodeficiency 31B. Also called: STAT1 DEFICIENCY, AUTOSOMAL RECESSIVE; IMMUNODEFICIENCY 31B, MYCOBACTERIAL AND VIRAL INFECTIONS, AUTOSOMAL RECESSIVE. Identifiers: Orphanet 391311, MedGen C3151088, MONDO:0013427, OMIM 613796.
Autoimmune enteropathy and endocrinopathy - susceptibility to chronic infections syndrome. Also called: Immunodeficiency 31C, autosomal dominant; Immunodeficiency 31C. Identifiers: Orphanet 391487, MedGen C3279990, MONDO:0013599, OMIM 614162.

Submission:

Labcorp Genetics (formerly Invitae), Labcorp
Classification: Uncertain significance for Mendelian susceptibility to mycobacterial diseases due to partial STAT1 deficiency; Immunodeficiency 31B; Autoimmune enteropathy and endocrinopathy - susceptibility to chronic infections syndrome. Last evaluated: 2023-05-15. Review status: criteria provided, single submitter. Criteria: Invitae Variant Classification Sherloc (09022015). Collection method: clinical testing. Allele origin: germline.
Comment: In summary, the available evidence is currently insufficient to determine the role of this variant in disease. Therefore, it has been classified as a Variant of Uncertain Significance. An algorithm developed to predict the effect of missense changes on protein structure and function (PolyPhen-2) suggests that this variant is likely to be tolerated. This variant has not been reported in the literature in individuals affected with STAT1-related conditions. This variant is not present in population databases (gnomAD no frequency). This sequence change replaces lysine, which is basic and polar, with arginine, which is basic and polar, at codon 375 of the STAT1 protein (p.Lys375Arg).

NM_007315.4(STAT1):c.1124A>G (p.Lys375Arg)

Gene: STAT1 (signal transducer and activator of transcription 1; minus strand). Cytogenetic location: 2q32.2.
Variant type: single nucleotide variant.
Coding change: c.1124A>G on transcript NM_007315.4 (MANE Select); coding-DNA position 1124, A replaced by G.
Protein change: p.Lys375Arg; replaces lysine 375 with arginine.
Molecular consequence: missense variant. On other transcripts: intron variant (1).
Genome position (GRCh38, 1-based): chr2:190,987,042, T>C on the plus strand (A>G on the coding strand, the complement: STAT1 is on the minus strand). VCF-style: chr2-190987042-T-C. GRCh37 (hg19) VCF-style: chr2-191851768-T-C.
Other names: c.1124A>G, p.Lys375Arg (NM_139266.3, NM_001384882.1, NM_001384886.1 and 1 more transcripts); c.1098-95A>G (NM_001384888.1); c.1160A>G, p.Lys387Arg (NM_001384891.1); c.1064A>G, p.Lys355Arg (NM_001384880.1); c.1130A>G, p.Lys377Arg (NM_001384881.1, NM_001384884.1); c.1025A>G, p.Lys342Arg (NM_001384883.1); c.965A>G, p.Lys322Arg (NM_001384885.1); c.1031A>G, p.Lys344Arg (NM_001384887.1); and 1 more; short protein forms K345R, K387R, K322R, K342R, K375R, K377R, K344R, K355R.
Identifiers: ClinVar variation 2947787 (VCV002947787.3), dbSNP rs2470466180, ClinGen allele CA349919320.